The following is an entry in ClinVar:

NM_005562.3(LAMC2):c.388C>T (p.Gln130Ter)

Gene: LAMC2 (laminin subunit gamma 2; plus strand). Cytogenetic location: 1q25.3.
Variant type: single nucleotide variant.
Coding change: c.388C>T on transcript NM_005562.3 (MANE Select); coding-DNA position 388, C replaced by T.
Protein change: p.Gln130Ter; replaces glutamine 130 with a stop codon.
Molecular consequence: nonsense.
Genome position (GRCh38, 1-based): chr1:183,215,572, C>T. VCF-style: chr1-183215572-C-T. GRCh37 (hg19) VCF-style: chr1-183184707-C-T.
Other names: c.388C>T, p.Gln130Ter (NM_018891.3); short protein forms Q130*.
Identifiers: ClinVar variation 984226 (VCV000984226.3), dbSNP rs1659228652, ClinGen allele CA343673671.

ClinVar aggregate classification (germline): Likely pathogenic (1 of 4 stars; one submission).

Conditions:
Junctional epidermolysis bullosa gravis of Herlitz. Also called: Herlitz-type junctional epidermolysis bullosa; Epidermolysis Bullosa Letalis; EPIDERMOLYSIS BULLOSA, JUNCTIONAL 1B, SEVERE; EPIDERMOLYSIS BULLOSA JUNCTIONALIS, HERLITZ TYPE; EPIDERMOLYSIS BULLOSA, JUNCTIONAL, HERLITZ-PEARSON TYPE; JEB-HERLITZ TYPE. Identifiers: Orphanet 79404, MedGen C0079683, MONDO:0009182, OMIM 226700.

Submission:

Myriad Genetics, Inc.
Classification: Likely pathogenic for Junctional epidermolysis bullosa gravis of Herlitz. Last evaluated: 2019-12-22. Review status: criteria provided, single submitter. Criteria: Myriad Women's Health Autosomal Recessive and X-Linked Classification Criteria (2019). Collection method: clinical testing. Allele origin: unknown.
Comment: NM_005562.2(LAMC2):c.388C>T(Q130*) is expected to be pathogenic in the context of junctional epidermolysis bullosa, LAMC2-related. This variant is predicted to lead to an abnormal or absent protein product due to the creation of a premature termination codon in LAMC2, a gene where loss-of-function variants are known to be pathogenic. Please note: this variant was assessed in the context of healthy population screening.